The following is an entry in ClinVar:

ClinVar aggregate classification (germline): Uncertain significance. Review status: criteria provided, multiple submitters, no conflicts (2 of 4 stars). 2 submissions from 2 submitters: Uncertain significance (2). Last evaluated 2023-11-13.

Conditions:
Hyperkalemic periodic paralysis. Also called: Familial hyperkalemic periodic paralysis; Gamstorp disease. Identifiers: Orphanet 682, MedGen C0238357, MONDO:0008224, OMIM 170500, HP:0007215.

Allele frequency attached by ClinVar (database versions not stated): TOPMed below 0.00001; gnomAD 0.00001; gnomAD exomes 0.00001.
gnomAD v4.1: 9 of 1,613,936 alleles (0.00056%); highest among the groups gnomAD compares: Admixed American, 0.0033%; no homozygotes.

Submissions (2):

Labcorp Genetics (formerly Invitae), Labcorp
Classification: Uncertain significance for Hyperkalemic periodic paralysis. Last evaluated: 2023-11-13. Review status: criteria provided, single submitter. Criteria: Invitae Variant Classification Sherloc (09022015). Collection method: clinical testing. Allele origin: germline.
Comment: This sequence change replaces lysine, which is basic and polar, with glutamic acid, which is acidic and polar, at codon 476 of the SCN4A protein (p.Lys476Glu). This variant is present in population databases (no rsID available, gnomAD 0.003%). This variant has not been reported in the literature in individuals affected with SCN4A-related conditions. ClinVar contains an entry for this variant (Variation ID: 2435730). Advanced modeling of protein sequence and biophysical properties (such as structural, functional, and spatial information, amino acid conservation, physicochemical variation, residue mobility, and thermodynamic stability) performed at Invitae indicates that this missense variant is not expected to disrupt SCN4A protein function with a negative predictive value of 95%. In summary, the available evidence is currently insufficient to determine the role of this variant in disease. Therefore, it has been classified as a Variant of Uncertain Significance.

Revvity Omics, Revvity
Classification: Uncertain significance. Last evaluated: 2020-02-13. Review status: criteria provided, single submitter. Criteria: ACMG Guidelines, 2015. Collection method: clinical testing. Allele origin: germline.

NM_000334.4(SCN4A):c.1426A>G (p.Lys476Glu)

Gene: SCN4A (sodium voltage-gated channel alpha subunit 4; minus strand). Cytogenetic location: 17q23.3.
Variant type: single nucleotide variant.
Coding change: c.1426A>G on transcript NM_000334.4 (MANE Select); coding-DNA position 1426, A replaced by G.
Protein change: p.Lys476Glu; replaces lysine 476 with glutamic acid.
Molecular consequence: missense variant.
Genome position (GRCh38, 1-based): chr17:63,964,494, T>C on the plus strand (A>G on the coding strand, the complement: SCN4A is on the minus strand). VCF-style: chr17-63964494-T-C. GRCh37 (hg19) VCF-style: chr17-62041854-T-C.
Other names: short protein forms K476E.
Identifiers: ClinVar variation 2435730 (VCV002435730.6), dbSNP rs1465194534, ClinGen allele CA400634809.
Genomic context (GRCh38, chr17:63,964,494, plus strand): 5'-CTGGGTCCTCTATCTCCTTTCCCTGAGTCCAGACCTTCTCCAGCTCCTCCTGGTGCTTTT[T>C]GAACTTCTCAAGCATCTGCTGAAACTCCTCCTCTTTCTCCTTATCCTCGGCCAGGGTGGC-3'
Protein context (NP_000325.4, residues 466-486): EEFQQMLEKF[Lys476Glu]KHQEELEKAK